The following is an entry in ClinVar:

ClinVar aggregate classification (germline): Uncertain significance (1 of 4 stars; one submission).

Submission:

Ambry Genetics
Classification: Uncertain significance. Last evaluated: 2023-01-21. Review status: criteria provided, single submitter. Criteria: Ambry Variant Classification Scheme 2023. Collection method: clinical testing. Allele origin: germline.
Comment: The p.D107E variant (also known as c.321T>A), located in coding exon 2 of the MYOM1 gene, results from a T to A substitution at nucleotide position 321. The aspartic acid at codon 107 is replaced by glutamic acid, an amino acid with highly similar properties. This amino acid position is conserved. In addition, this alteration is predicted to be tolerated by in silico analysis. Since supporting evidence is limited at this time, the clinical significance of this alteration remains unclear.

NM_003803.4(MYOM1):c.321T>A (p.Asp107Glu)

Gene: MYOM1 (myomesin 1; minus strand). Cytogenetic location: 18p11.31.
Variant type: single nucleotide variant.
Coding change: c.321T>A on transcript NM_003803.4 (MANE Select); coding-DNA position 321, T replaced by A.
Protein change: p.Asp107Glu; replaces aspartic acid 107 with glutamic acid.
Molecular consequence: missense variant.
Genome position (GRCh38, 1-based): chr18:3,193,928, A>T on the plus strand (T>A on the coding strand, the complement: MYOM1 is on the minus strand). VCF-style: chr18-3193928-A-T. GRCh37 (hg19) VCF-style: chr18-3193926-A-T.
Other names: c.321T>A, p.Asp107Glu (NM_019856.2); short protein forms D107E.
Identifiers: ClinVar variation 2448643 (VCV002448643.2), dbSNP rs2080956290, ClinGen allele CA401717371.
Genomic context (GRCh38, chr18:3,193,928, plus strand): 5'-TTCTCCAGACAGTAGGCTGTGCTTGGCTCTCTTTGGTTTGGGGCTCAACTTGGATGAATA[A>T]TCATCTAACAGCAGACTGGAATCTGTAAGTCTGAAATAAACCACCTAACATCAGACAGTA-3'
Protein context (NP_003794.3, residues 97-117): GLTDSSLLLD[Asp107Glu]YSSKLSPKPK